The following is an entry in ClinVar:

NM_000257.4(MYH7):c.5659del (p.Glu1887fs)

Gene: MYH7 (myosin heavy chain 7; minus strand). Cytogenetic location: 14q11.2.
Variant type: Deletion.
Coding change: c.5659del on transcript NM_000257.4 (MANE Select); coding-DNA position 5659, one base deleted (G; older notation c.5659delG).
Protein change: p.Glu1887fs; shifts the reading frame from glutamic acid 1887.
Molecular consequence: frameshift variant.
Genome position (GRCh38, 1-based): chr14:23,413,890, C deleted on the plus strand (G on the coding strand, the reverse complement: MYH7 is on the minus strand); the first of 2 consecutive C bases (chr14:23,413,890-23,413,891); deleting either gives the same sequence. VCF-style (leftmost placement, unchanged base first): chr14-23413889-TC-T. GRCh37 (hg19) VCF-style: chr14-23883098-TC-T.
Other names: c.5659del (LRG_384t1); short protein forms E1887fs.
Identifiers: ClinVar variation 181366 (VCV000181366.2), dbSNP rs730880892, ClinGen allele CA016354.

ClinVar aggregate classification (germline): Likely pathogenic (1 of 4 stars; one submission).

Submission:

GeneDx
Classification: Likely pathogenic. Last evaluated: 2017-08-18. Review status: criteria provided, single submitter. Criteria: GeneDx Variant Classification (06012015). Collection method: clinical testing. Allele origin: germline. Affected: yes.
Comment: The c.5659delG variant in the MYH7 gene has not been reported as a disease-causing mutation or as a benign polymorphism to our knowledge. This variant causes a shift in reading frame starting at codon Glutamic acid 1887, changing it to a Serine, and creating a premature stop codon at position 46 of the new reading frame, denoted p.Glu1887SerfsX46. This variant is expected to result in an abnormal, truncated protein product. The c.5659delG variant is not observed in large population cohorts (Lek et al., 2016; 1000 Genomes Consortium et al., 2015; Exome Variant Server). We interpret c.5659delG as a likely pathogenic variant.